The following is an entry in ClinVar:

ClinVar aggregate classification (germline): Conflicting classifications of pathogenicity. Review status: criteria provided, conflicting classifications (1 of 4 stars). 4 submissions from 4 submitters: Uncertain significance (1); Likely benign (2). 1 of the submissions does not count toward it. Last evaluated 2025-01-13.

Conditions:
Jalili syndrome. Also called: CONE-ROD DYSTROPHY AND AMELOGENESIS IMPERFECTA. Identifiers: Orphanet 1873, MedGen C3495589, MONDO:0009007, OMIM 217080.
CNNM4-related disorder. Also called: CNNM4-related condition.

Allele frequency attached by ClinVar (database versions not stated): TOPMed 0.00001; 1000 Genomes Project 30x 0.00016; 1000 Genomes Project 0.00020.
gnomAD v4.1: 165 of 1,554,562 alleles (0.011%); highest among the groups gnomAD compares: East Asian, 0.38%; 1 homozygote.

Submissions (4):

Labcorp Genetics (formerly Invitae), Labcorp
Classification: Likely benign. Last evaluated: 2025-01-13. Review status: criteria provided, single submitter. Criteria: Invitae Variant Classification Sherloc (09022015). Collection method: clinical testing. Allele origin: germline.

Blueprint Genetics
Classification: Likely benign. Last evaluated: 2024-11-18. Review status: criteria provided, single submitter. Criteria: ACMG Guidelines, 2015. Collection method: clinical testing. Allele origin: germline.

Illumina Laboratory Services, Illumina
Classification: Uncertain significance for Jalili syndrome. Last evaluated: 2018-01-13. Review status: criteria provided, single submitter. Criteria: ICSL Variant Classification Criteria 13 December 2019. Collection method: clinical testing. Allele origin: germline.

PreventionGenetics, part of Exact Sciences
Classification: Likely benign for CNNM4-related condition. Last evaluated: 2024-08-25. Review status: no assertion criteria provided. Collection method: clinical testing. Allele origin: germline. Not counted in ClinVar's aggregate classification.
Comment: This variant is classified as likely benign based on ACMG/AMP sequence variant interpretation guidelines (Richards et al. 2015 PMID: 25741868, with internal and published modifications).

NM_020184.4(CNNM4):c.1902C>T (p.Gly634=)

Gene: CNNM4 (cyclin and CBS domain divalent metal cation transport mediator 4; plus strand). Cytogenetic location: 2q11.2.
Variant type: single nucleotide variant.
Coding change: c.1902C>T on transcript NM_020184.4 (MANE Select); coding-DNA position 1902, C replaced by T.
Protein change: p.Gly634=; no amino-acid change (glycine 634 retained).
Molecular consequence: synonymous variant.
Genome position (GRCh38, 1-based): chr2:96,799,602, C>T. VCF-style: chr2-96799602-C-T. GRCh37 (hg19) VCF-style: chr2-97465339-C-T.
Identifiers: ClinVar variation 898116 (VCV000898116.15), dbSNP rs200110847, ClinGen allele CA1783508.